The following is an entry in ClinVar:

ClinVar aggregate classification (germline): Uncertain significance. Review status: criteria provided, multiple submitters, no conflicts (2 of 4 stars). 2 submissions from 2 submitters: Uncertain significance (2). Last evaluated 2026-07-06.

Conditions:
DICER1-related tumor predisposition. Also called: DICER1 syndrome; DICER1-related pleuropulmonary blastoma cancer predisposition syndrome. Identifiers: Orphanet 284343, MedGen C3839822, MONDO:0100216.
Hereditary cancer-predisposing syndrome. Also called: Hereditary Cancer Syndrome; Neoplastic Syndromes, Hereditary; Hereditary neoplastic syndrome; Tumor predisposition. Identifiers: Orphanet 140162, MedGen C0027672, MeSH D009386, MONDO:0015356.

Submissions (2):

Ambry Genetics
Classification: Uncertain significance for Hereditary cancer-predisposing syndrome. Last evaluated: 2026-07-06. Review status: criteria provided, single submitter. Criteria: Ambry Variant Classification Scheme 2023. Collection method: clinical testing. Allele origin: germline.
Comment: The p.D871G variant (also known as c.2612A>G), located in coding exon 15 of the DICER1 gene, results from an A to G substitution at nucleotide position 2612. The aspartic acid at codon 871 is replaced by glycine, an amino acid with similar properties. This amino acid position is conserved. In addition, this alteration is predicted to be tolerated by in silico analysis. Based on the available evidence, the clinical significance of this variant remains unclear.

Labcorp Genetics (formerly Invitae), Labcorp
Classification: Uncertain significance for DICER1-related tumor predisposition. Last evaluated: 2021-12-15. Review status: criteria provided, single submitter. Criteria: Invitae Variant Classification Sherloc (09022015). Collection method: clinical testing. Allele origin: germline.
Comment: In summary, the available evidence is currently insufficient to determine the role of this variant in disease. Therefore, it has been classified as a Variant of Uncertain Significance. Algorithms developed to predict the effect of missense changes on protein structure and function output the following: SIFT: "Tolerated"; PolyPhen-2: "Benign"; Align-GVGD: "Class C0". The glycine amino acid residue is found in multiple mammalian species, which suggests that this missense change does not adversely affect protein function. This variant has not been reported in the literature in individuals affected with DICER1-related conditions. This variant is not present in population databases (gnomAD no frequency). This sequence change replaces aspartic acid, which is acidic and polar, with glycine, which is neutral and non-polar, at codon 871 of the DICER1 protein (p.Asp871Gly).

NM_177438.3(DICER1):c.2612A>G (p.Asp871Gly)

Gene: DICER1 (dicer 1, ribonuclease III; minus strand). Cytogenetic location: 14q32.13.
Variant type: single nucleotide variant.
Coding change: c.2612A>G on transcript NM_177438.3 (MANE Select); coding-DNA position 2612, A replaced by G.
Protein change: p.Asp871Gly; replaces aspartic acid 871 with glycine.
Molecular consequence: missense variant.
Genome position (GRCh38, 1-based): chr14:95,107,918, T>C on the plus strand (A>G on the coding strand, the complement: DICER1 is on the minus strand). VCF-style: chr14-95107918-T-C. GRCh37 (hg19) VCF-style: chr14-95574255-T-C.
Other names: c.2612A>G, p.Asp871Gly (NM_001195573.1, NM_001271282.3, NM_001291628.2 and 1 more transcripts); c.2612A>G (NM_177438.2); short protein forms D871G.
Identifiers: ClinVar variation 1397052 (VCV001397052.8), dbSNP rs1555370776, ClinGen allele CA390881338.